The following continues an entry in ClinVar:

NM_000059.4(BRCA2):c.742G>A (p.Ala248Thr)

Gene: BRCA2. ClinVar aggregate classification (germline): Conflicting classifications of pathogenicity. Uncertain significance (6); Benign (3); Likely benign (5).

Submissions 16 to 18 of 18:

ITMI
No classification provided. Condition: AllHighlyPenetrant. Last evaluated: 2013-09-19. Review status: no classification provided. Collection method: reference population. Allele origin: germline. Not counted in ClinVar's aggregate classification.
Comment: Please see associated publication for description of ethnicities

Breast Cancer Information Core (BIC) (BRCA2)
Classification: Uncertain significance for Breast-ovarian cancer, familial 2. Last evaluated: 1997-11-13. Review status: no assertion criteria provided. Collection method: clinical testing. Allele origin: germline. Affected: yes. Observed: 4 variant alleles. Not counted in ClinVar's aggregate classification.

Department of Pathology and Laboratory Medicine, Sinai Health System
Classification: Uncertain significance for Carcinoma of colon. Review status: no assertion criteria provided. Collection method: clinical testing. Allele origin: unknown. Affected: yes. Study: The Canadian Open Genetics Repository (COGR). Not counted in ClinVar's aggregate classification.
Comment: The BRCA2 p.Ala248Thr variant was identified in 5 of 14324 proband chromosomes (frequency: 0.0003) from individuals or families with breast cancer and was identified in 1 of 1510 chromosomes from healthy individuals (Amendola 2015, Fackenthal 2005, Fackenthal 2012, Haffty 2005). The variant was also identified in dbSNP (ID: rs55854959) as "With Uncertain significance allele", ClinVar (classified as likely benign by Invitae; as uncertain significance by Ambry Genetics, GeneDx, BIC and three other clinical laboratories), Cosmic (2x), MutDB, LOVD 3.0 (2x), UMD-LSDB (3x as unclassified variant), and BIC (4x as unknown significance). The variant was not identified in the COGR, ARUP Laboratories, or Zhejiang University databases. The variant was identified in control databases in 9 of 276698 chromosomes at a frequency of 0.00003 (Genome Aggregation Database Feb 27, 2017). The variant was observed in the following populations: African in 8 of 23984 chromosomes (freq: 0.0003) and European in 1 of 126390 chromosomes (freq: 0.000008), but not in the â€šÃ„ÃºOtherâ€šÃ„Ã¹, Latino, Ashkenazi Jewish, East Asian, Finnish, or South Asian populations. The p.Ala248 residue is not conserved in mammals and 5 of 5 computational analyses (PolyPhen-2, SIFT, AlignGVGD, BLOSUM, MutationTaster) do not suggest a high likelihood of impact to the protein; however, this information is not predictive enough to rule out pathogenicity. The variant occurs outside of the splicing consensus sequence and 4 of 4 in silico or computational prediction software programs (SpliceSiteFinder, MaxEntScan, NNSPLICE, GeneSplicer) do not predict a difference in splicing. In summary, based on the above information, the clinical significance of this variant cannot be determined with certainty at this time. This variant is classified as a variant of uncertain significance.

Literature cited by the submitters: PubMed 12491487 (cited by Women's Health and Genetics/Laboratory Corporation of America, LabCorp); PubMed 15983021 (cited by Women's Health and Genetics/Laboratory Corporation of America, LabCorp and Quest Diagnostics Nichols Institute San Juan Capistrano); PubMed 22034289 (cited by Women's Health and Genetics/Laboratory Corporation of America, LabCorp and Quest Diagnostics Nichols Institute San Juan Capistrano); PubMed 15744044 (cited by 3 submitters); PubMed 11030418 (cited by Women's Health and Genetics/Laboratory Corporation of America, LabCorp and Quest Diagnostics Nichols Institute San Juan Capistrano); PubMed 24728327 (cited by 4 submitters); PubMed 24504028 (cited by Women's Health and Genetics/Laboratory Corporation of America, LabCorp and Quest Diagnostics Nichols Institute San Juan Capistrano); PubMed 25503501 (cited by Women's Health and Genetics/Laboratory Corporation of America, LabCorp); PubMed 25637381 (cited by Women's Health and Genetics/Laboratory Corporation of America, LabCorp and Quest Diagnostics Nichols Institute San Juan Capistrano); PubMed 28814288 (cited by Women's Health and Genetics/Laboratory Corporation of America, LabCorp); PubMed 30287823 (cited by Women's Health and Genetics/Laboratory Corporation of America, LabCorp and Quest Diagnostics Nichols Institute San Juan Capistrano); PubMed 33471991 (cited by Women's Health and Genetics/Laboratory Corporation of America, LabCorp and Quest Diagnostics Nichols Institute San Juan Capistrano); PubMed 33233347 (cited by Women's Health and Genetics/Laboratory Corporation of America, LabCorp and Quest Diagnostics Nichols Institute San Juan Capistrano); PubMed 36243179 (cited by Women's Health and Genetics/Laboratory Corporation of America, LabCorp).